The following is an entry in ClinVar:

NM_004667.6(HERC2):c.8944G>C (p.Val2982Leu)

Gene: HERC2 (HECT and RLD domain containing E3 ubiquitin protein ligase 2; minus strand). Cytogenetic location: 15q13.1.
Variant type: single nucleotide variant.
Coding change: c.8944G>C on transcript NM_004667.6 (MANE Select); coding-DNA position 8944, G replaced by C.
Protein change: p.Val2982Leu; replaces valine 2982 with leucine.
Molecular consequence: missense variant.
Genome position (GRCh38, 1-based): chr15:28,179,217, C>G on the plus strand (G>C on the coding strand, the complement: HERC2 is on the minus strand). VCF-style: chr15-28179217-C-G. GRCh37 (hg19) VCF-style: chr15-28424363-C-G.
Other names: short protein forms V2982L.
Identifiers: ClinVar variation 2369910 (VCV002369910.2), dbSNP rs137879939, ClinGen allele CA7441309.

ClinVar aggregate classification (germline): Uncertain significance (1 of 4 stars; one submission).

Conditions:
Inborn genetic diseases. Identifiers: MedGen C0950123, MeSH D030342.

gnomAD v4.1: 39 of 1,599,606 alleles (0.0024%); highest among the groups gnomAD compares: South Asian, 0.04%; no homozygotes.

Submission:

Ambry Genetics
Classification: Uncertain significance for Inborn genetic diseases. Last evaluated: 2020-12-31. Review status: criteria provided, single submitter. Criteria: Ambry Variant Classification Scheme 2023. Collection method: clinical testing. Allele origin: germline.
Comment: The c.8944G>C (p.V2982L) alteration is located in exon 58 (coding exon 57) of the HERC2 gene. This alteration results from a G to C substitution at nucleotide position 8944, causing the valine (V) at amino acid position 2982 to be replaced by a leucine (L). The p.V2982L alteration is predicted to be tolerated by in silico analysis. Based on insufficient or conflicting evidence, the clinical significance of this alteration remains unclear.